The following is an entry in ClinVar:

NM_000390.4(CHM):c.525del (p.Glu177fs)

Gene: CHM (CHM Rab escort protein; minus strand). Cytogenetic location: Xq21.2.
Variant type: Deletion.
Coding change: c.525del on transcript NM_000390.4 (MANE Select); coding-DNA position 525, one base deleted (A; older notation c.525delA).
Protein change: p.Glu177fs; shifts the reading frame from glutamic acid 177.
Molecular consequence: frameshift variant.
Genome position (GRCh38, 1-based): chrX:85,963,842, T deleted on the plus strand (A on the coding strand, the reverse complement: CHM is on the minus strand). VCF-style (leftmost placement, unchanged base first): chrX-85963841-CT-C. GRCh37 (hg19) VCF-style: chrX-85218846-CT-C.
Other names: c.81del, p.Glu29fs (NM_001320959.1, NM_001362517.1, NM_001362518.2 and 1 more transcripts); short protein forms E29fs, E177fs.
Identifiers: ClinVar variation 2049413 (VCV002049413.5), dbSNP rs2520272803, ClinGen allele CA2580102029.

ClinVar aggregate classification (germline): Pathogenic. Review status: criteria provided, multiple submitters, no conflicts (2 of 4 stars). 2 submissions from 2 submitters: Pathogenic (2). Last evaluated 2023-10-24.

Conditions:
CHM-related disorders.

Submissions (2):

Labcorp Genetics (formerly Invitae), Labcorp
Classification: Pathogenic. Last evaluated: 2023-10-24. Review status: criteria provided, single submitter. Criteria: Invitae Variant Classification Sherloc (09022015). Collection method: clinical testing. Allele origin: germline.
Comment: This sequence change creates a premature translational stop signal (p.Glu177Lysfs*20) in the CHM gene. It is expected to result in an absent or disrupted protein product. Loss-of-function variants in CHM are known to be pathogenic (PMID: 9067750, 23811034). This variant is not present in population databases (gnomAD no frequency). This premature translational stop signal has been observed in individual(s) with choroideremia (PMID: 32856788). This variant is also known as c.525delA p.(Glu177Cysfs*20). ClinVar contains an entry for this variant (Variation ID: 2049413). For these reasons, this variant has been classified as Pathogenic.

Blueprint Genetics
Classification: Pathogenic for CHM-related disorders. Last evaluated: 2022-04-01. Review status: criteria provided, single submitter. Criteria: ACMG Guidelines, 2015. Collection method: clinical testing. Allele origin: germline. Affected: yes. Observed: 1 variant allele.

Literature cited by the submitters: PubMed 9067750 (cited by Labcorp Genetics (formerly Invitae), Labcorp); PubMed 23811034 (cited by Labcorp Genetics (formerly Invitae), Labcorp); PubMed 32856788 (cited by Labcorp Genetics (formerly Invitae), Labcorp).